The following is an entry in ClinVar:

ClinVar aggregate classification (germline): Uncertain significance (1 of 4 stars; one submission).

Conditions:
Generalized epilepsy with febrile seizures plus, type 7 (GEFSP7). Also called: GEFS+, TYPE 7. Identifiers: Orphanet 36387, MedGen C2751778, MONDO:0013470, OMIM 613863.
Neuropathy, hereditary sensory and autonomic, type 2A (HSAN2A). Also called: WNK1-Related HSAN2 (HSAN2A); HSAN IIA; MORVAN DISEASE; NEUROPATHY, CONGENITAL SENSORY; NEUROPATHY, HEREDITARY SENSORY RADICULAR, AUTOSOMAL RECESSIVE; NEUROPATHY, HEREDITARY SENSORY, TYPE IIA. Identifiers: Orphanet 970, MedGen C2752089, MONDO:0024309, OMIM 201300.

Submission:

Labcorp Genetics (formerly Invitae), Labcorp
Classification: Uncertain significance for Neuropathy, hereditary sensory and autonomic, type 2A; Generalized epilepsy with febrile seizures plus, type 7. Last evaluated: 2019-08-01. Review status: criteria provided, single submitter. Criteria: Invitae Variant Classification Sherloc (09022015). Collection method: clinical testing. Allele origin: germline.
Comment: This variant is not present in population databases (ExAC no frequency). This variant has not been reported in the literature in individuals with SCN9A-related conditions. Algorithms developed to predict the effect of missense changes on protein structure and function are either unavailable or do not agree on the potential impact of this missense change (SIFT: "Deleterious"; PolyPhen-2: "Possibly Damaging"; Align-GVGD: "Class C0"). In summary, the available evidence is currently insufficient to determine the role of this variant in disease. Therefore, it has been classified as a Variant of Uncertain Significance. This sequence change replaces asparagine with histidine at codon 889 of the SCN9A protein (p.Asn889His). The asparagine residue is moderately conserved and there is a small physicochemical difference between asparagine and histidine.

NM_001365536.1(SCN9A):c.2698A>C (p.Asn900His)

Genes: SCN1A-AS1 (SCN1A and SCN9A antisense RNA 1; plus strand), SCN9A (sodium voltage-gated channel alpha subunit 9; minus strand). Cytogenetic location: 2q24.3.
Variant type: single nucleotide variant.
Coding change: c.2698A>C on transcript NM_001365536.1 (MANE Select); coding-DNA position 2698, A replaced by C.
Protein change: p.Asn900His; replaces asparagine 900 with histidine.
Molecular consequence: missense variant. On other transcripts: non-coding transcript variant (1).
Genome position (GRCh38, 1-based): chr2:166,277,159, T>G on the plus strand (A>C on the coding strand, the complement: SCN9A is on the minus strand). VCF-style: chr2-166277159-T-G. GRCh37 (hg19) VCF-style: chr2-167133669-T-G.
Other names: c.2665A>C, p.Asn889His (NM_002977.4); short protein forms N889H, N900H.
Identifiers: ClinVar variation 962613 (VCV000962613.10), dbSNP rs1697272320, ClinGen allele CA349077772.